The following is an entry in ClinVar:

NM_017780.4(CHD7):c.1712C>T (p.Thr571Ile)

Genes: CHD7 (chromodomain helicase DNA binding protein 7; plus strand), LOC126860403 (CDK7 strongly-dependent group 2 enhancer GRCh37_chr8:61693034-61694233; plus strand). Cytogenetic location: 8q12.2.
Variant type: single nucleotide variant.
Coding change: c.1712C>T on transcript NM_017780.4 (MANE Select); coding-DNA position 1712, C replaced by T.
Protein change: p.Thr571Ile; replaces threonine 571 with isoleucine.
Molecular consequence: missense variant.
Genome position (GRCh38, 1-based): chr8:60,781,046, C>T. VCF-style: chr8-60781046-C-T. GRCh37 (hg19) VCF-style: chr8-61693605-C-T.
Other names: c.1712C>T, p.Thr571Ile (NM_001316690.1); short protein forms T571I.
Identifiers: ClinVar variation 4802748 (VCV004802748.1).

ClinVar aggregate classification (germline): Uncertain significance (1 of 4 stars; one submission).

Conditions:
CHARGE syndrome (CHARGE). Also called: Hittner Hirsch Kreh syndrome; CHARGE ASSOCIATION--COLOBOMA, HEART ANOMALY, CHOANAL ATRESIA, RETARDATION, GENITAL AND EAR ANOMALIES; Coloboma, heart anomaly, choanal atresia, retardation, genital and ear anomalies; CHARGE association; Hall-Hittner syndrome. Identifiers: Orphanet 138, MedGen C0265354, MONDO:0008965.

Submission:

Labcorp Genetics (formerly Invitae), Labcorp
Classification: Uncertain significance for CHARGE syndrome. Last evaluated: 2025-11-26. Review status: criteria provided, single submitter. Criteria: Invitae Variant Classification Sherloc (09022015). Collection method: clinical testing. Allele origin: germline.
Comment: This sequence change replaces threonine, which is neutral and polar, with isoleucine, which is neutral and non-polar, at codon 571 of the CHD7 protein (p.Thr571Ile). This variant is not present in population databases (gnomAD no frequency). This variant has not been reported in the literature in individuals affected with CHD7-related conditions. Invitae Evidence Modeling of protein sequence and biophysical properties (such as structural, functional, and spatial information, amino acid conservation, physicochemical variation, residue mobility, and thermodynamic stability) indicates that this missense variant is not expected to disrupt CHD7 protein function with a negative predictive value of 95%. In summary, the available evidence is currently insufficient to determine the role of this variant in disease. Therefore, it has been classified as a Variant of Uncertain Significance.